The following is an entry in ClinVar:

NM_001868.4(CPA1):c.209C>T (p.Pro70Leu)

Gene: CPA1 (carboxypeptidase A1; plus strand). Cytogenetic location: 7q32.2.
Variant type: single nucleotide variant.
Coding change: c.209C>T on transcript NM_001868.4 (MANE Select); coding-DNA position 209, C replaced by T.
Protein change: p.Pro70Leu; replaces proline 70 with leucine.
Molecular consequence: missense variant.
Genome position (GRCh38, 1-based): chr7:130,381,691, C>T. VCF-style: chr7-130381691-C-T. GRCh37 (hg19) VCF-style: chr7-130021532-C-T.
Other names: c.209C>T (NM_001868.2); short protein forms P70L.
Identifiers: ClinVar variation 1980231 (VCV001980231.6), dbSNP rs782053370, ClinGen allele CA369279795.

ClinVar aggregate classification (germline): Uncertain significance. Review status: criteria provided, multiple submitters, no conflicts (2 of 4 stars). 2 submissions from 2 submitters: Uncertain significance (2). Last evaluated 2023-03-04.

Conditions:
Hereditary pancreatitis (PCTT). Also called: PRSS1-Related Hereditary Pancreatitis; Hereditary chronic pancreatitis. Identifiers: Orphanet 676, MedGen C0238339, MONDO:0008185, OMIM 167800.

Submissions (2):

Ambry Genetics
Classification: Uncertain significance for Hereditary pancreatitis. Last evaluated: 2023-03-04. Review status: criteria provided, single submitter. Criteria: Ambry Variant Classification Scheme 2023. Collection method: clinical testing. Allele origin: germline.
Comment: The p.P70L variant (also known as c.209C>T), located in coding exon 3 of the CPA1 gene, results from a C to T substitution at nucleotide position 209. The proline at codon 70 is replaced by leucine, an amino acid with similar properties. This amino acid position is conserved. In addition, this alteration is predicted to be tolerated by in silico analysis. Since supporting evidence is limited at this time, the clinical significance of this alteration remains unclear.

Labcorp Genetics (formerly Invitae), Labcorp
Classification: Uncertain significance. Last evaluated: 2022-06-19. Review status: criteria provided, single submitter. Criteria: Invitae Variant Classification Sherloc (09022015). Collection method: clinical testing. Allele origin: germline.
Comment: In summary, the available evidence is currently insufficient to determine the role of this variant in disease. Therefore, it has been classified as a Variant of Uncertain Significance. Algorithms developed to predict the effect of missense changes on protein structure and function output the following: SIFT: "Tolerated"; PolyPhen-2: "Benign"; Align-GVGD: "Class C0". The leucine amino acid residue is found in multiple mammalian species, which suggests that this missense change does not adversely affect protein function. This variant has not been reported in the literature in individuals affected with CPA1-related conditions. This variant is not present in population databases (gnomAD no frequency). This sequence change replaces proline, which is neutral and non-polar, with leucine, which is neutral and non-polar, at codon 70 of the CPA1 protein (p.Pro70Leu).